The following is an entry in ClinVar:

ClinVar aggregate classification (germline): Conflicting classifications of pathogenicity. Review status: criteria provided, conflicting classifications (1 of 4 stars). 2 submissions from 2 submitters: Uncertain significance (1); Likely benign (1). Last evaluated 2025-11-01.

Conditions:
3-methylglutaconic aciduria, type VIIB (MGCA7B). Also called: CLPB Deficiency; 3-methylglutaconic aciduria with cataracts, neurologic involvement and neutropenia; 3-methylglutaconic aciduria, type VII, with cataracts, neurologic involvement and neutropenia. Identifiers: Orphanet 445038, MedGen C5676893, MONDO:0014561, OMIM 616271.

gnomAD v4.1: 5 of 1,613,282 alleles (0.00031%); highest among the groups gnomAD compares: Non-Finnish European, 0.00017%; no homozygotes.

Submissions (2):

CeGaT Center for Human Genetics Tuebingen
Classification: Likely benign. Last evaluated: 2025-11-01. Review status: criteria provided, single submitter. Criteria: CeGaT Center For Human Genetics Tuebingen Variant Classification Criteria Version 2. Collection method: clinical testing. Allele origin: germline. Affected: yes. Observed: 2 variant alleles.
Comment: CLPB: BP4

Labcorp Genetics (formerly Invitae), Labcorp
Classification: Uncertain significance for 3-methylglutaconic aciduria, type VIIB. Last evaluated: 2025-05-01. Review status: criteria provided, single submitter. Criteria: Invitae Variant Classification Sherloc (09022015). Collection method: clinical testing. Allele origin: germline.
Comment: This sequence change replaces glycine, which is neutral and non-polar, with tryptophan, which is neutral and slightly polar, at codon 71 of the CLPB protein (p.Gly71Trp). This variant is present in population databases (no rsID available, gnomAD 0.0009%). This variant has not been reported in the literature in individuals affected with CLPB-related conditions. ClinVar contains an entry for this variant (Variation ID: 2642120). An algorithm developed to predict the effect of missense changes on protein structure and function outputs the following: PolyPhen-2: "Benign". The tryptophan amino acid residue is found in multiple mammalian species, which suggests that this missense change does not adversely affect protein function. In summary, the available evidence is currently insufficient to determine the role of this variant in disease. Therefore, it has been classified as a Variant of Uncertain Significance.

NM_001258392.3(CLPB):c.211G>T (p.Gly71Trp)

Genes: CLPB (ClpB family mitochondrial disaggregase; minus strand), LOC130006336 (ATAC-STARR-seq lymphoblastoid active region 5191; plus strand). Cytogenetic location: 11q13.4.
Variant type: single nucleotide variant.
Coding change: c.211G>T on transcript NM_001258392.3 (MANE Select); coding-DNA position 211, G replaced by T.
Protein change: p.Gly71Trp; replaces glycine 71 with tryptophan.
Molecular consequence: missense variant. On other transcripts: 5 prime UTR variant (1).
Genome position (GRCh38, 1-based): chr11:72,434,264, C>A on the plus strand (G>T on the coding strand, the complement: CLPB is on the minus strand). VCF-style: chr11-72434264-C-A. GRCh37 (hg19) VCF-style: chr11-72145308-C-A.
Other names: c.211G>T, p.Gly71Trp (NM_001258393.3, NM_030813.6); c.-32G>T (NM_001258394.3); short protein forms G71W.
Identifiers: ClinVar variation 2642120 (VCV002642120.27), dbSNP rs138797911, ClinGen allele CA381963352.